The following is an entry in ClinVar:

ClinVar aggregate classification (germline): Benign. Review status: criteria provided, multiple submitters, no conflicts (2 of 4 stars). 3 submissions from 3 submitters: Benign (3). Last evaluated 2020-04-04.

Conditions:
Telangiectasia, hereditary hemorrhagic, type 1 (HHT1). Also called: Osler Weber Rendu syndrome type 1; ENG-Related Hereditary Hemorrhagic Telangiectasia. Identifiers: Orphanet 774, MedGen C4551861, MONDO:0008535, OMIM 187300. Disease mechanism: loss of function.

Allele frequency attached by ClinVar (database versions not stated): gnomAD 0.28944 and 0.29532; TOPMed 0.29815; 1000 Genomes Project 30x 0.30340; 1000 Genomes Project 0.31270; gnomAD exomes 0.37079.
gnomAD v4.1: 357,959 of 997,594 alleles (36%); highest among the groups gnomAD compares: East Asian, 60%; 69,568 homozygotes.

Submissions (3):

ARUP Laboratories, Molecular Genetics and Genomics, ARUP Laboratories
Classification: Benign for Telangiectasia, hereditary hemorrhagic, type 1. Last evaluated: 2020-04-04. Review status: criteria provided, single submitter. Criteria: ARUP Molecular Germline Variant Investigation Process. Collection method: clinical testing. Allele origin: germline.

GeneDx
Classification: Benign. Last evaluated: 2018-06-14. Review status: criteria provided, single submitter. Criteria: GeneDx Variant Classification (06012015). Collection method: clinical testing. Allele origin: germline. Affected: yes.
Comment: This variant is considered likely benign or benign based on one or more of the following criteria: it is a conservative change, it occurs at a poorly conserved position in the protein, it is predicted to be benign by multiple in silico algorithms, and/or has population frequency not consistent with disease.

Breakthrough Genomics
Classification: Benign. Review status: criteria provided, single submitter. Criteria: ACMG Guidelines, 2015. Collection method: not provided. Allele origin: germline. Inheritance: Autosomal dominant inheritance. Affected: yes.

NM_001114753.3(ENG):c.1687-117G>A

Genes: ENG (endoglin; minus strand), LOC102723566 (uncharacterized LOC102723566; plus strand). Cytogenetic location: 9q34.11.
Variant type: single nucleotide variant.
Coding change: c.1687-117G>A on transcript NM_001114753.3 (MANE Select); 117 bases into the intron before coding-DNA position 1687, G replaced by A.
Molecular consequence: intron variant. On other transcripts: non-coding transcript variant (1).
Genome position (GRCh38, 1-based): chr9:127,817,320, C>T on the plus strand (G>A on the coding strand, the complement: ENG is on the minus strand). VCF-style: chr9-127817320-C-T. GRCh37 (hg19) VCF-style: chr9-130579599-C-T.
Other names: c.1687-117G>A (NM_000118.4); c.1141-117G>A (NM_001278138.2).
Identifiers: ClinVar variation 439656 (VCV000439656.11), dbSNP rs1330684, ClinGen allele CA13000820.